The following is an entry in ClinVar:

NM_001035.3(RYR2):c.2146A>G (p.Asn716Asp)

Gene: RYR2 (ryanodine receptor 2; plus strand). Cytogenetic location: 1q43.
Variant type: single nucleotide variant.
Coding change: c.2146A>G on transcript NM_001035.3 (MANE Select); coding-DNA position 2146, A replaced by G.
Protein change: p.Asn716Asp; replaces asparagine 716 with aspartic acid.
Molecular consequence: missense variant.
Genome position (GRCh38, 1-based): chr1:237,496,695, A>G. VCF-style: chr1-237496695-A-G. GRCh37 (hg19) VCF-style: chr1-237659995-A-G.
Other names: c.2146A>G (NM_001035.2); short protein forms N716D.
Identifiers: ClinVar variation 922773 (VCV000922773.11), dbSNP rs1395171532, ClinGen allele CA345392154.
Genomic context (GRCh38, chr1:237,496,695, plus strand): 5'-GGCTGGGCTTCCACTGAAGGATATTCTCCCTACCCTGGAGGGGGCGAAGAGTGGGGTGGA[A>G]ATGGTGTTGGAGATGATCTCTTCTCCTATGGATTTGATGGCCTTCATCTCTGGTCAGGTA-3'
Protein context (NP_001026.2, residues 706-726): YPGGGEEWGG[Asn716Asp]GVGDDLFSYG

ClinVar aggregate classification (germline): Uncertain significance. Review status: criteria provided, multiple submitters, no conflicts (2 of 4 stars). 4 submissions from 4 submitters: Uncertain significance (4). Last evaluated 2026-02-14.

Conditions:
Cardiovascular phenotype. Identifiers: MedGen CN230736.
Catecholaminergic polymorphic ventricular tachycardia (CVPT). Also called: Catecholamine-induced polymorphic ventricular tachycardia. Identifiers: Orphanet 3286, MedGen C5574922, MONDO:0017990.
Cardiomyopathy (CMYO). Also called: Cardiomyopathies. Identifiers: Orphanet 167848, MedGen C0878544, MONDO:0004994, HP:0001638. Inheritance: Various modes of inheritance.
Catecholaminergic polymorphic ventricular tachycardia 1. Also called: VENTRICULAR TACHYCARDIA, STRESS-INDUCED POLYMORPHIC 1; VENTRICULAR TACHYCARDIA, CATECHOLAMINERGIC POLYMORPHIC, 1, WITH OR WITHOUT ATRIAL DYSFUNCTION AND/OR DILATED CARDIOMYOPATHY; RYR2-Related Catecholaminergic Polymorphic Ventricular Tachycardia. Identifiers: Orphanet 3286, MedGen C1631597, MONDO:0011484, OMIM 604772.

Allele frequency attached by ClinVar (database versions not stated): gnomAD exomes below 0.00001 and 0.00001; TOPMed 0.00002.
gnomAD v4.1: 6 of 1,613,874 alleles (0.00037%); highest among the groups gnomAD compares: Non-Finnish European, 0.00051%; no homozygotes.

Submissions (4):

Ambry Genetics
Classification: Uncertain significance for Cardiovascular phenotype. Last evaluated: 2026-02-14. Review status: criteria provided, single submitter. Criteria: Ambry Variant Classification Scheme 2023. Collection method: clinical testing. Allele origin: germline.
Comment: The p.N716D variant (also known as c.2146A>G), located in coding exon 20 of the RYR2 gene, results from an A to G substitution at nucleotide position 2146. The asparagine at codon 716 is replaced by aspartic acid, an amino acid with highly similar properties. This amino acid position is conserved. In addition, this alteration is predicted to be tolerated by in silico analysis. Based on the available evidence, the clinical significance of this variant remains unclear.

Labcorp Genetics (formerly Invitae), Labcorp
Classification: Uncertain significance for Catecholaminergic polymorphic ventricular tachycardia 1. Last evaluated: 2025-02-20. Review status: criteria provided, single submitter. Criteria: Invitae Variant Classification Sherloc (09022015). Collection method: clinical testing. Allele origin: germline.
Comment: This sequence change replaces asparagine, which is neutral and polar, with aspartic acid, which is acidic and polar, at codon 716 of the RYR2 protein (p.Asn716Asp). This variant is present in population databases (no rsID available, gnomAD 0.002%). This variant has not been reported in the literature in individuals affected with RYR2-related conditions. ClinVar contains an entry for this variant (Variation ID: 922773). Invitae Evidence Modeling of protein sequence and biophysical properties (such as structural, functional, and spatial information, amino acid conservation, physicochemical variation, residue mobility, and thermodynamic stability) indicates that this missense variant is not expected to disrupt RYR2 protein function with a negative predictive value of 95%. In summary, the available evidence is currently insufficient to determine the role of this variant in disease. Therefore, it has been classified as a Variant of Uncertain Significance.

Color Diagnostics, LLC DBA Color Health
Classification: Uncertain significance for Cardiomyopathy. Last evaluated: 2024-03-06. Review status: criteria provided, single submitter. Criteria: ACMG Guidelines, 2015. Collection method: clinical testing. Allele origin: germline.
Comment: This missense variant replaces asparagine with aspartic acid at codon 716 of the RYR2 protein. Computational prediction suggests that this variant may not impact protein structure and function (internally defined REVEL score threshold <= 0.5, PMID: 27666373). To our knowledge, functional studies have not been reported for this variant. This variant has not been reported in individuals affected with RYR2-related disorders in the literature. This variant has been identified in 2/249186 chromosomes in the general population by the Genome Aggregation Database (gnomAD). The available evidence is insufficient to determine the role of this variant in disease conclusively. Therefore, this variant is classified as a Variant of Uncertain Significance.

All of Us Research Program, National Institutes of Health
Classification: Uncertain significance for Catecholaminergic polymorphic ventricular tachycardia. Last evaluated: 2023-12-13. Review status: criteria provided, single submitter. Criteria: ACMG Guidelines, 2015. Collection method: clinical testing. Allele origin: germline. Inheritance: Autosomal dominant inheritance. Observed: 5 variant alleles, 5 heterozygotes.
Comment: This missense variant replaces asparagine with aspartic acid at codon 716 of the RYR2 protein. Computational prediction suggests that this variant may not impact protein structure and function (internally defined REVEL score threshold <= 0.5, PMID: 27666373). To our knowledge, functional studies have not been reported for this variant. This variant has not been reported in individuals affected with cardiovascular disorders in the literature. This variant has been identified in 2/249186 chromosomes in the general population by the Genome Aggregation Database (gnomAD). The available evidence is insufficient to determine the role of this variant in disease conclusively. Therefore, this variant is classified as a Variant of Uncertain Significance.

This study involves interpretation of variants in research participants for the purpose of population health screening. Participant phenotype was not available at the time of variant classification. Additional details can be found in publication PMID: 35346344, PMCID: PMC8962531